The following is an entry in ClinVar:

NM_138801.3(GALM):c.410AAG[1] (p.Glu138del)

Gene: GALM (galactose mutarotase; plus strand). Cytogenetic location: 2p22.1.
Variant type: Microsatellite.
Coding change: c.410AAG[1] on transcript NM_138801.3 (MANE Select); one copy of the 3-base unit AAG starting at c.410; the reference has two copies in a row; one copy, 3 bases deleted.
Protein change: p.Glu138del; deletes glutamic acid 138.
Molecular consequence: inframe deletion.
Genome position (GRCh38, 1-based): chr2:38,681,347-38,681,349, AAG deleted; deleting any 3 consecutive bases within chr2:38,681,343-38,681,349 gives the same sequence; the position shown is the placement nearest the transcript's 3' end. VCF-style (leftmost placement, unchanged base first): chr2-38681342-TGAA-T. GRCh37 (hg19) VCF-style: chr2-38908484-TGAA-T.
Other names: short protein forms E138del.
Identifiers: ClinVar variation 2178197 (VCV002178197.4), dbSNP rs2528574444, ClinGen allele CA2556706617.

ClinVar aggregate classification (germline): Uncertain significance (1 of 4 stars; one submission).

Submission:

Labcorp Genetics (formerly Invitae), Labcorp
Classification: Uncertain significance. Last evaluated: 2022-02-02. Review status: criteria provided, single submitter. Criteria: Invitae Variant Classification Sherloc (09022015). Collection method: clinical testing. Allele origin: germline.
Comment: In summary, the available evidence is currently insufficient to determine the role of this variant in disease. Therefore, it has been classified as a Variant of Uncertain Significance. Experimental studies and prediction algorithms are not available or were not evaluated, and the functional significance of this variant is currently unknown. This variant has not been reported in the literature in individuals affected with GALM-related conditions. This variant is not present in population databases (gnomAD no frequency). This variant, c.413_415del, results in the deletion of 1 amino acid(s) of the GALM protein (p.Glu138del), but otherwise preserves the integrity of the reading frame.